The following is an entry in ClinVar:

NM_001386298.1(CIC):c.5449G>T (p.Ala1817Ser)

Gene: CIC (capicua transcriptional repressor; plus strand). Cytogenetic location: 19q13.2.
Variant type: single nucleotide variant.
Coding change: c.5449G>T on transcript NM_001386298.1 (MANE Select); coding-DNA position 5449, G replaced by T.
Protein change: p.Ala1817Ser; replaces alanine 1817 with serine.
Molecular consequence: missense variant.
Genome position (GRCh38, 1-based): chr19:42,291,581, G>T. VCF-style: chr19-42291581-G-T. GRCh37 (hg19) VCF-style: chr19-42795733-G-T.
Other names: c.2722G>T, p.Ala908Ser (NM_015125.5, NM_001379484.1, NM_001379485.1); c.5449G>T, p.Ala1817Ser (NM_001304815.2, NM_001379480.1, NM_001379482.1 and 1 more transcripts); short protein forms A1817S, A908S.
Identifiers: ClinVar variation 3234904 (VCV003234904.1), dbSNP rs2038108859, ClinGen allele CA406112268.
Genomic context (GRCh38, chr19:42,291,581, plus strand): 5'-CTTGTAACCTTTTCCTTTCTTGCCTCTTAACTTCCAGCCCAGTCAGTTTCTCCCGTGCAG[G>T]CCCCGCCCCCGGGTGGCTCAGCCCAGCTGCTGCCTGGGAAGGTCCTAGTGCCTCTGGCCG-3'
Protein context (NP_001373227.1, residues 1807-1827): PKAQSVSPVQ[Ala1817Ser]PPPGGSAQLL

ClinVar aggregate classification (germline): Uncertain significance (1 of 4 stars; one submission).

Conditions:
Intellectual developmental disorder, autosomal dominant 45. Also called: MENTAL RETARDATION, AUTOSOMAL DOMINANT 45; Intellectual disability, autosomal dominant 45. Identifiers: MedGen C4539848, MONDO:0030910, OMIM 617600.

Allele frequency attached by ClinVar (database versions not stated): gnomAD exomes below 0.00001; TOPMed 0.00001.
gnomAD v4.1: 1 of 1,612,944 alleles (0.000062%); highest among the groups gnomAD compares: South Asian, 0.0011%; no homozygotes.

Submission:

Neuberg Centre For Genomic Medicine, NCGM
Classification: Uncertain significance for Intellectual developmental disorder, autosomal dominant 45. Review status: criteria provided, single submitter. Criteria: ACMG Guidelines, 2015. Collection method: clinical testing. Allele origin: germline. Inheritance: Autosomal dominant inheritance. Affected: yes.
Comment: The missense variant c.5449G>Tp.Ala1817Ser in CIC gene has not been reported previously as a pathogenic variant nor as a benign variant, to our knowledge. The variant is novel not in any individuals in gnomAD Exomes and 1000 Genomes. The amino acid Alanine at position 1817 is changed to a Serine changing protein sequence and it might alter its composition and physico-chemical properties. The amino acid change p.Ala1817Ser in CIC is predicted as conserved by GERP++ and PhyloP across 100 vertebrates. For these reasons, this variant has been classified as Uncertain Significance.